The following is an entry in ClinVar:

ClinVar aggregate classification (germline): Uncertain significance. Review status: criteria provided, multiple submitters, no conflicts (2 of 4 stars). 3 submissions from 3 submitters: Uncertain significance (3). Last evaluated 2024-11-27.

Allele frequency attached by ClinVar (database versions not stated): TOPMed 0.00003; gnomAD 0.00004; gnomAD exomes 0.00006; ExAC 0.00010.
gnomAD v4.1: 92 of 1,613,890 alleles (0.0057%); highest among the groups gnomAD compares: South Asian, 0.044%; 2 homozygotes.

Submissions (3):

Labcorp Genetics (formerly Invitae), Labcorp
Classification: Uncertain significance. Last evaluated: 2024-11-27. Review status: criteria provided, single submitter. Criteria: Invitae Variant Classification Sherloc (09022015). Collection method: clinical testing. Allele origin: germline.
Comment: This sequence change replaces asparagine, which is neutral and polar, with serine, which is neutral and polar, at codon 1298 of the CUL7 protein (p.Asn1298Ser). This variant is present in population databases (rs765531212, gnomAD 0.02%). This variant has not been reported in the literature in individuals affected with CUL7-related conditions. ClinVar contains an entry for this variant (Variation ID: 1403023). Invitae Evidence Modeling of protein sequence and biophysical properties (such as structural, functional, and spatial information, amino acid conservation, physicochemical variation, residue mobility, and thermodynamic stability) indicates that this missense variant is not expected to disrupt CUL7 protein function with a negative predictive value of 80%. Algorithms developed to predict the effect of sequence changes on RNA splicing suggest that this variant may create or strengthen a splice site. In summary, the available evidence is currently insufficient to determine the role of this variant in disease. Therefore, it has been classified as a Variant of Uncertain Significance.

GeneDx
Classification: Uncertain significance. Last evaluated: 2024-07-29. Review status: criteria provided, single submitter. Criteria: GeneDx Variant Classification Process June 2021. Collection method: clinical testing. Allele origin: germline. Affected: yes.
Comment: In silico analysis indicates that this missense variant does not alter protein structure/function; Has not been previously published as pathogenic or benign to our knowledge; In silico analysis suggests this variant may impact gene splicing. In the absence of RNA/functional studies, the actual effect of this sequence change is unknown.

Women's Health and Genetics/Laboratory Corporation of America, LabCorp
Classification: Uncertain significance. Last evaluated: 2023-11-28. Review status: criteria provided, single submitter. Criteria: LabCorp Variant Classification Summary - May 2015. Collection method: clinical testing. Allele origin: germline.
Comment: Variant summary: CUL7 c.3893A>G (p.Asn1298Ser) results in a conservative amino acid change located in the Cullin, N-terminal (IPR001373) of the encoded protein sequence. Five of five in-silico tools predict a benign effect of the variant on protein function. The variant allele was found at a frequency of 5.6e-05 in 251250 control chromosomes. This frequency is not significantly higher than estimated for a pathogenic variant in CUL7 causing Three M Syndrome 1 (5.6e-05 vs 0.0011), allowing no conclusion about variant significance. To our knowledge, no occurrence of c.3893A>G in individuals affected with Three M Syndrome 1 and no experimental evidence demonstrating its impact on protein function have been reported. One submitter has cited clinical-significance assessments for this variant to ClinVar after 2014 and has classified the variant as uncertain significance. Based on the evidence outlined above, the variant was classified as uncertain significance.

NM_014780.5(CUL7):c.3893A>G (p.Asn1298Ser)

Gene: CUL7 (cullin 7; minus strand). Cytogenetic location: 6p21.1.
Variant type: single nucleotide variant.
Coding change: c.3893A>G on transcript NM_014780.5 (MANE Select); coding-DNA position 3893, A replaced by G.
Protein change: p.Asn1298Ser; replaces asparagine 1298 with serine.
Molecular consequence: missense variant.
Genome position (GRCh38, 1-based): chr6:43,040,660, T>C on the plus strand (A>G on the coding strand, the complement: CUL7 is on the minus strand). VCF-style: chr6-43040660-T-C. GRCh37 (hg19) VCF-style: chr6-43008398-T-C.
Other names: c.3989A>G, p.Asn1330Ser (NM_001168370.2, NM_001374872.1); c.3893A>G, p.Asn1298Ser (NM_001374873.1); c.3890A>G, p.Asn1297Ser (NM_001374874.1); c.3893A>G (NM_014780.4); short protein forms N1297S, N1298S, N1330S.
Identifiers: ClinVar variation 1403023 (VCV001403023.9), dbSNP rs765531212, ClinGen allele CA3813358.